The following is an entry in ClinVar:

ClinVar aggregate classification (germline): Uncertain significance (1 of 4 stars; one submission).

Allele frequency attached by ClinVar (database versions not stated): ExAC 0.00003; gnomAD 0.00002; TOPMed 0.00002; gnomAD exomes 0.00001.
gnomAD v4.1: 21 of 1,612,484 alleles (0.0013%); highest among the groups gnomAD compares: Admixed American, 0.005%; no homozygotes.

Submission:

Labcorp Genetics (formerly Invitae), Labcorp
Classification: Uncertain significance. Last evaluated: 2024-02-26. Review status: criteria provided, single submitter. Criteria: Invitae Variant Classification Sherloc (09022015). Collection method: clinical testing. Allele origin: germline.
Comment: This sequence change replaces alanine, which is neutral and non-polar, with valine, which is neutral and non-polar, at codon 246 of the NUP62 protein (p.Ala246Val). This variant is present in population databases (rs765930916, gnomAD 0.02%). This variant has not been reported in the literature in individuals affected with NUP62-related conditions. ClinVar contains an entry for this variant (Variation ID: 2057058). An algorithm developed to predict the effect of missense changes on protein structure and function (PolyPhen-2) suggests that this variant is likely to be tolerated. In summary, the available evidence is currently insufficient to determine the role of this variant in disease. Therefore, it has been classified as a Variant of Uncertain Significance.

NM_016553.5(NUP62):c.737C>T (p.Ala246Val)

Genes: IL4I1 (interleukin 4 induced 1; minus strand), NUP62 (nucleoporin 62; minus strand). Cytogenetic location: 19q13.33.
Variant type: single nucleotide variant.
Coding change: c.737C>T on transcript NM_016553.5 (MANE Select); coding-DNA position 737, C replaced by T.
Protein change: p.Ala246Val; replaces alanine 246 with valine.
Molecular consequence: missense variant. On other transcripts: intron variant (3).
Genome position (GRCh38, 1-based): chr19:49,909,071, G>A on the plus strand (C>T on the coding strand, the complement: NUP62 is on the minus strand). VCF-style: chr19-49909071-G-A. GRCh37 (hg19) VCF-style: chr19-50412328-G-A.
Other names: c.737C>T, p.Ala246Val (NM_001193357.2, NM_012346.5, NM_153718.4 and 1 more transcripts); c.-227-4750C>T (NM_001258017.2, NM_172374.3); c.-285-4750C>T (NM_001258018.2); short protein forms A246V.
Identifiers: ClinVar variation 2057058 (VCV002057058.3), dbSNP rs765930916, ClinGen allele CA9589066.